The following is an entry in ClinVar:

NM_003482.4(KMT2D):c.6608C>T (p.Thr2203Met)

Gene: KMT2D (lysine methyltransferase 2D; minus strand). Cytogenetic location: 12q13.12.
Variant type: single nucleotide variant.
Coding change: c.6608C>T on transcript NM_003482.4 (MANE Select); coding-DNA position 6608, C replaced by T.
Protein change: p.Thr2203Met; replaces threonine 2203 with methionine.
Molecular consequence: missense variant.
Genome position (GRCh38, 1-based): chr12:49,041,162, G>A on the plus strand (C>T on the coding strand, the complement: KMT2D is on the minus strand). VCF-style: chr12-49041162-G-A. GRCh37 (hg19) VCF-style: chr12-49434945-G-A.
Other names: short protein forms T2203M.
Identifiers: ClinVar variation 547436 (VCV000547436.8), dbSNP rs770692765, ClinGen allele CA6547219.
Genomic context (GRCh38, chr12:49,041,162, plus strand): 5'-GGCTGGCCAGCCCCAGGACGAGATGAGGCGCCCAGCATCGGGGGCTGCGCAGGGGCCCCC[G>A]TAGGACTAGGATAGGGGGGATAGGTGGGCGGTGCCGTGGGGAAGCGGGGCTCCAGGGGAT-3'
Protein context (NP_003473.3, residues 2193-2213): PPTYPPYPSP[Thr2203Met]GAPAQPPMLG

ClinVar aggregate classification (germline): Conflicting classifications of pathogenicity. Review status: criteria provided, conflicting classifications (1 of 4 stars). 3 submissions from 3 submitters: Uncertain significance (1); Benign (1); Likely benign (1). Last evaluated 2025-09-08.

Conditions:
Kabuki syndrome 1 (KABUK1). Also called: KMT2D-Related Kabuki Syndrome. Identifiers: Orphanet 2322, MedGen CN030661, MONDO:0007843, OMIM 147920.
Kabuki syndrome. Also called: NIIKAWA-KUROKI SYNDROME; Kabuki make-up syndrome. Identifiers: Orphanet 2322, MedGen C0796004, MONDO:0016512.

Allele frequency attached by ClinVar (database versions not stated): ExAC 0.00002; gnomAD 0.00002 and 0.00003; gnomAD exomes 0.00002 and 0.00004; TOPMed 0.00002.
gnomAD v4.1: 54 of 1,521,340 alleles (0.0035%); highest among the groups gnomAD compares: Middle Eastern, 0.053%; no homozygotes.

Submissions (3):

Labcorp Genetics (formerly Invitae), Labcorp
Classification: Benign for Kabuki syndrome. Last evaluated: 2025-09-08. Review status: criteria provided, single submitter. Criteria: Invitae Variant Classification Sherloc (09022015). Collection method: clinical testing. Allele origin: germline.

GeneDx
Classification: Likely benign. Last evaluated: 2021-04-21. Review status: criteria provided, single submitter. Criteria: GeneDx Variant Classification Process June 2021. Collection method: clinical testing. Allele origin: germline. Affected: yes.
Comment: See Variant Classification Assertion Criteria.

Center for Human Genetics, Inc
Classification: Uncertain significance for Kabuki syndrome 1. Last evaluated: 2016-11-01. Review status: criteria provided, single submitter. Criteria: ACMG Guidelines, 2015. Collection method: clinical testing. Allele origin: germline. Affected: yes.